The following is an entry in ClinVar:

ClinVar aggregate classification (germline): Pathogenic (1 of 4 stars; one submission).

Submission:

GeneDx
Classification: Pathogenic. Last evaluated: 2014-10-08. Review status: criteria provided, single submitter. Criteria: GeneDx Variant Classification (06012015). Collection method: clinical testing. Allele origin: germline. Affected: yes.
Comment: c.1946+2 T>A: IVS18+2 T>A in intron 18 of the TSC2 gene (NM_000548.3) The c.1946+2 T>A splice site mutation in the TSC2 gene destroys the canonical splice donor site in intron 18. It is predicted to cause abnormal gene splicing, either leading to an abnormal message that is subject to nonsense-mediated mRNA decay, or to an abnormal protein product if the message is used for protein translation. Additionally, a different splice site mutation at the same residue (c.1946+2 T>C) has been published in association with tuberous sclerosis (TSC2 LOVD database; Sancak et al., 2005). The c.1946+2 T>A mutation has not been previously reported to our knowledge. The variant is found in TUBSC-EPIV2 panel(s).

NM_000548.5(TSC2):c.1946+2T>A

Gene: TSC2 (TSC complex subunit 2; plus strand). Cytogenetic location: 16p13.3.
Variant type: single nucleotide variant.
Coding change: c.1946+2T>A on transcript NM_000548.5 (MANE Select); the canonical splice donor site of the intron after coding-DNA position 1946, T replaced by A.
Molecular consequence: splice donor variant.
Genome position (GRCh38, 1-based): chr16:2,071,618, T>A. VCF-style: chr16-2071618-T-A. GRCh37 (hg19) VCF-style: chr16-2121619-T-A.
Other names: c.602+2T>A (NM_001406693.1, NM_001406689.1, NM_001406690.1 and 6 more transcripts); c.2036+2T>A (NM_001406667.1, NM_001406668.1); c.1346+2T>A (NM_001406680.1, NM_001406683.1, NM_001406687.1 and 6 more transcripts); c.344+2T>A (NM_001406698.1); c.1946+2T>A (NM_001114382.3, NM_001406663.1, NM_001406664.1 and 6 more transcripts); c.1934+2T>A (NM_001406671.1, NM_001406673.1); c.1484+2T>A (NM_001406681.1); c.1835+2T>A (NM_001406670.1, NM_001318827.2, NM_001406678.1); and 3 more.
Identifiers: ClinVar variation 207779 (VCV000207779.2), dbSNP rs397515247, ClinGen allele CA319582.